The following is an entry in ClinVar:

ClinVar aggregate classification (germline): Uncertain significance (1 of 4 stars; one submission).

Submission:

Labcorp Genetics (formerly Invitae), Labcorp
Classification: Uncertain significance. Last evaluated: 2021-08-31. Review status: criteria provided, single submitter. Criteria: Invitae Variant Classification Sherloc (09022015). Collection method: clinical testing. Allele origin: germline.
Comment: In summary, the available evidence is currently insufficient to determine the role of this variant in disease. Therefore, it has been classified as a Variant of Uncertain Significance. Algorithms developed to predict the effect of missense changes on protein structure and function are either unavailable or do not agree on the potential impact of this missense change (SIFT: "Deleterious"; PolyPhen-2: "Benign"; Align-GVGD: "Class C0"). This variant has not been reported in the literature in individuals affected with PLK4-related conditions. This variant is not present in population databases (ExAC no frequency). This sequence change replaces threonine with serine at codon 591 of the PLK4 protein (p.Thr591Ser). The threonine residue is moderately conserved and there is a small physicochemical difference between threonine and serine.

NM_014264.5(PLK4):c.1771A>T (p.Thr591Ser)

Gene: PLK4 (polo like kinase 4; plus strand). Cytogenetic location: 4q28.1.
Variant type: single nucleotide variant.
Coding change: c.1771A>T on transcript NM_014264.5 (MANE Select); coding-DNA position 1771, A replaced by T.
Protein change: p.Thr591Ser; replaces threonine 591 with serine.
Molecular consequence: missense variant.
Genome position (GRCh38, 1-based): chr4:127,890,177, A>T. VCF-style: chr4-127890177-A-T. GRCh37 (hg19) VCF-style: chr4-128811332-A-T.
Other names: c.1675A>T, p.Thr559Ser (NM_001190799.2); c.1648A>T, p.Thr550Ser (NM_001190801.2); short protein forms T591S, T550S, T559S.
Identifiers: ClinVar variation 1482180 (VCV001482180.6), dbSNP rs2148820822, ClinGen allele CA358157339.